The following is an entry in ClinVar:

NM_003640.5(ELP1):c.1574G>A (p.Arg525Gln)

Gene: ELP1 (elongator acetyltransferase complex subunit 1; minus strand). Cytogenetic location: 9q31.3.
Variant type: single nucleotide variant.
Coding change: c.1574G>A on transcript NM_003640.5 (MANE Select); coding-DNA position 1574, G replaced by A.
Protein change: p.Arg525Gln; replaces arginine 525 with glutamine.
Molecular consequence: missense variant.
Genome position (GRCh38, 1-based): chr9:108,906,372, C>T on the plus strand (G>A on the coding strand, the complement: ELP1 is on the minus strand). VCF-style: chr9-108906372-C-T. GRCh37 (hg19) VCF-style: chr9-111668652-C-T.
Other names: p.R525Q:CGG>CAG; c.1574G>A (LRG_251t1); c.1232G>A, p.Arg411Gln (NM_001318360.2); c.527G>A, p.Arg176Gln (NM_001330749.2); short protein forms R525Q, R176Q, R411Q.
Identifiers: ClinVar variation 137574 (VCV000137574.37), dbSNP rs838827, ClinGen allele CA291217.

ClinVar aggregate classification (germline): Benign. Review status: criteria provided, multiple submitters, no conflicts (2 of 4 stars). 9 submissions from 9 submitters: Benign (8). 1 of the submissions does not count toward it. Last evaluated 2026-02-04.

Conditions:
Familial dysautonomia. Also called: FD; HSAN III. Identifiers: Orphanet 1764, MedGen C0013364, MONDO:0009131, OMIM 223900. Disease mechanism: loss of function.

Allele frequency attached by ClinVar (database versions not stated): gnomAD exomes 0.05106 and 0.05884; ExAC 0.05424; 1000 Genomes Project 0.05711; 1000 Genomes Project 30x 0.05965; gnomAD 0.07007 and 0.07294; TOPMed 0.07165; ESP Exome Variant Server 0.08050.
gnomAD v4.1: 96,336 of 1,613,862 alleles (6%); highest among the groups gnomAD compares: African/African-American, 11%; 3,364 homozygotes.

Submissions (9):

Labcorp Genetics (formerly Invitae), Labcorp
Classification: Benign. Last evaluated: 2026-02-04. Review status: criteria provided, single submitter. Criteria: Invitae Variant Classification Sherloc (09022015). Collection method: clinical testing. Allele origin: germline.

ARUP Laboratories, Molecular Genetics and Genomics, ARUP Laboratories
Classification: Benign. Last evaluated: 2025-06-24. Review status: criteria provided, single submitter. Criteria: ARUP Molecular Germline Variant Investigation Process 2024. Collection method: clinical testing. Allele origin: germline.

Genome-Nilou Lab
Classification: Benign for Familial dysautonomia. Last evaluated: 2021-07-01. Review status: criteria provided, single submitter. Criteria: ACMG Guidelines, 2015. Collection method: clinical testing. Allele origin: germline. Affected: no.

Mayo Clinic Laboratories, Mayo Clinic
Classification: Benign. Last evaluated: 2021-04-25. Review status: criteria provided, single submitter. Criteria: ACMG Guidelines, 2015. Collection method: clinical testing. Allele origin: germline. Observed: 188 variant alleles.

Illumina Laboratory Services, Illumina
Classification: Benign for Familial dysautonomia. Last evaluated: 2018-01-13. Review status: criteria provided, single submitter. Criteria: ICSL Variant Classification Criteria 13 December 2019. Collection method: clinical testing. Allele origin: germline.
Comment: This variant was observed in the ICSL laboratory as part of a predisposition screen in an ostensibly healthy population. It had not been previously curated by ICSL or reported in the Human Gene Mutation Database (HGMD: prior to June 1st, 2018), and was therefore a candidate for classification through an automated scoring system. Utilizing variant allele frequency, disease prevalence and penetrance estimates, and inheritance mode, an automated score was calculated to assess if this variant is too frequent to cause the disease. Based on the score and internal cut-off values, a variant classified as benign is not then subjected to further curation. The score for this variant resulted in a classification of benign for this disease.

GeneDx
Classification: Benign. Last evaluated: 2014-03-20. Review status: criteria provided, single submitter. Criteria: GeneDx Variant Classification (06012015). Collection method: clinical testing. Allele origin: germline. Affected: yes.
Comment: This variant is considered likely benign or benign based on one or more of the following criteria: it is a conservative change, it occurs at a poorly conserved position in the protein, it is predicted to be benign by multiple in silico algorithms, and/or has population frequency not consistent with disease.

Breakthrough Genomics
Classification: Benign. Review status: criteria provided, single submitter. Criteria: ACMG Guidelines, 2015. Collection method: not provided. Allele origin: germline. Inheritance: Autosomal recessive inheritance. Affected: yes.

PreventionGenetics, part of Exact Sciences
Classification: Benign. Review status: criteria provided, single submitter. Criteria: ACMG Guidelines, 2015. Collection method: clinical testing. Allele origin: germline.

Natera, Inc.
Classification: Benign for Familial dysautonomia. Last evaluated: 2020-09-16. Review status: no assertion criteria provided. Collection method: clinical testing. Allele origin: germline. Not counted in ClinVar's aggregate classification.